The following is an entry in ClinVar:

NM_001271.4(CHD2):c.2410C>T (p.Arg804Ter)

Gene: CHD2 (chromodomain helicase DNA binding protein 2; plus strand). Cytogenetic location: 15q26.1.
Variant type: single nucleotide variant.
Coding change: c.2410C>T on transcript NM_001271.4 (MANE Select); coding-DNA position 2410, C replaced by T.
Protein change: p.Arg804Ter; replaces arginine 804 with a stop codon.
Molecular consequence: nonsense.
Genome position (GRCh38, 1-based): chr15:92,972,322, C>T. VCF-style: chr15-92972322-C-T. GRCh37 (hg19) VCF-style: chr15-93515552-C-T.
Other names: short protein forms R804*.
Identifiers: ClinVar variation 1790884 (VCV001790884.5), dbSNP rs2053851553, ClinGen allele CA393893240.
Genomic context (GRCh38, chr15:92,972,322, plus strand): 5'-CAGTCCCTCATAAGGAGCAGTGGGAAGTTGATTTTATTAGACAAACTGTTGACAAGACTT[C>T]GAGAAAGGGGGAATCGAGTGCTTATCTTCTCTCAGATGGTGAGAATGTTGGATATCCTGG-3'

ClinVar aggregate classification (germline): Pathogenic. Review status: criteria provided, multiple submitters, no conflicts (2 of 4 stars). 4 submissions from 4 submitters: Pathogenic (4). Last evaluated 2025-09-08.

Conditions:
Inborn genetic diseases. Identifiers: MedGen C0950123, MeSH D030342.
Developmental and epileptic encephalopathy 94 (DEE94). Also called: Epileptic encephalopathy, childhood-onset; CHD2-Related Neurodevelopmental Disorders. Identifiers: Orphanet 1942, Orphanet 2382, MedGen C3809278, MONDO:0014150, OMIM 615369.

Submissions (4):

Labcorp Genetics (formerly Invitae), Labcorp
Classification: Pathogenic for Developmental and epileptic encephalopathy 94. Last evaluated: 2025-09-08. Review status: criteria provided, single submitter. Criteria: Invitae Variant Classification Sherloc (09022015). Collection method: clinical testing. Allele origin: germline.
Comment: This sequence change creates a premature translational stop signal (p.Arg804*) in the CHD2 gene. It is expected to result in an absent or disrupted protein product. Loss-of-function variants in CHD2 are known to be pathogenic (PMID: 23708187, 24207121). This variant is not present in population databases (gnomAD no frequency). This premature translational stop signal has been observed in individual(s) with epilepsy (PMID: 31677157). ClinVar contains an entry for this variant (Variation ID: 1790884). Algorithms developed to predict the effect of sequence changes on RNA splicing suggest that this variant may disrupt the consensus splice site. For these reasons, this variant has been classified as Pathogenic.

Variantyx, Inc.
Classification: Pathogenic for Developmental and epileptic encephalopathy 94. Last evaluated: 2025-09-03. Review status: criteria provided, single submitter. Criteria: Variantyx Assertion Criteria 2022. Collection method: clinical testing. Allele origin: de novo. Inheritance: Autosomal dominant inheritance. Affected: yes.
Comment: This is a nonsense variant in the CHD2 gene (OMIM: 602119). Pathogenic variants in this gene have been associated with autosomal dominant developmental and epileptic encephalopathy 94. This variant introduces a premature termination codon in exon 19 out of 39 and is expected to result in loss of function, which is a known disease mechanism for CHD2 in this disorder (PMID: 23708187, 23020937, 24207121) (PVS1). This variant is absent from control populations (PM2). Based on the current evidence, this variant is classified as pathogenic for autosomal dominant developmental and epileptic encephalopathy 94.

GeneDx
Classification: Pathogenic. Last evaluated: 2024-12-04. Review status: criteria provided, single submitter. Criteria: GeneDx Variant Classification Process June 2021. Collection method: clinical testing. Allele origin: germline. Affected: yes.
Comment: Nonsense variant predicted to result in protein truncation or nonsense mediated decay in a gene for which loss of function is a known mechanism of disease; Not observed at significant frequency in large population cohorts (gnomAD); This variant is associated with the following publications: (PMID: 31677157)

Ambry Genetics
Classification: Pathogenic for Inborn genetic diseases. Last evaluated: 2020-08-10. Review status: criteria provided, single submitter. Criteria: Ambry Variant Classification Scheme 2023. Collection method: clinical testing. Allele origin: germline.
Comment: The p.R804* pathogenic mutation (also known as c.2410C>T), located in coding exon 18 of the CHD2 gene, results from a C to T substitution at nucleotide position 2410. This changes the amino acid from an arginine to a stop codon within coding exon 18. This alteration was identified de novo in an individual with seizures and developmental delay (Chen J et al. Dev Med Child Neurol, 2020 05;62:647-653). In addition to the clinical data presented in the literature, this alteration is expected to result in loss of function by premature protein truncation or nonsense-mediated mRNA decay. As such, this alteration is interpreted as a disease-causing mutation.

Literature cited by the submitters: PubMed 23708187 (cited by Labcorp Genetics (formerly Invitae), Labcorp and Variantyx, Inc.); PubMed 24207121 (cited by Labcorp Genetics (formerly Invitae), Labcorp and Variantyx, Inc.); PubMed 31677157 (cited by 3 submitters); PubMed 23020937 (cited by Variantyx, Inc.).